The following is an entry in ClinVar:

NM_015158.5(KANK1):c.1051G>A (p.Glu351Lys)

Gene: KANK1 (KN motif and ankyrin repeat domains 1; plus strand). Cytogenetic location: 9p24.3.
Variant type: single nucleotide variant.
Coding change: c.1051G>A on transcript NM_015158.5 (MANE Select); coding-DNA position 1051, G replaced by A.
Protein change: p.Glu351Lys; replaces glutamic acid 351 with lysine.
Molecular consequence: missense variant. On other transcripts: non-coding transcript variant (1).
Genome position (GRCh38, 1-based): chr9:711,817, G>A. VCF-style: chr9-711817-G-A. GRCh37 (hg19) VCF-style: chr9-711817-G-A.
Other names: c.1051G>A, p.Glu351Lys (NM_001256876.3, NM_001256877.3, NM_001354331.2 and 2 more transcripts); c.577G>A, p.Glu193Lys (NM_001354333.2, NM_001354335.2, NM_001354336.2 and 9 more transcripts); short protein forms E351K, E193K.
Identifiers: ClinVar variation 3017899 (VCV003017899.3), dbSNP rs1011152179, ClinGen allele CA187836611.
Genomic context (GRCh38, chr9:711,817, plus strand): 5'-CAGCTGGAACAGCTCTCCCGGGCCCGAAGAAGTGGCGGGGAATTATACATTGACTATGAG[G>A]AGGAAGAAATGGAGACCGTAGAACAGAGCACGCAGAGGATAAAGGAGTTCCGGCAACTTA-3'
Protein context (NP_055973.2, residues 341-361): SGGELYIDYE[Glu351Lys]EEMETVEQST

ClinVar aggregate classification (germline): Uncertain significance (1 of 4 stars; one submission).

Allele frequency attached by ClinVar (database versions not stated): gnomAD exomes below 0.00001; TOPMed below 0.00001.
gnomAD v4.1: 8 of 1,614,152 alleles (0.0005%); highest among the groups gnomAD compares: Non-Finnish European, 0.00059%; no homozygotes.

Submission:

Labcorp Genetics (formerly Invitae), Labcorp
Classification: Uncertain significance. Last evaluated: 2023-09-01. Review status: criteria provided, single submitter. Criteria: Invitae Variant Classification Sherloc (09022015). Collection method: clinical testing. Allele origin: germline.
Comment: This sequence change replaces glutamic acid, which is acidic and polar, with lysine, which is basic and polar, at codon 351 of the KANK1 protein (p.Glu351Lys). This variant is not present in population databases (gnomAD no frequency). This variant has not been reported in the literature in individuals affected with KANK1-related conditions. An algorithm developed to predict the effect of missense changes on protein structure and function (PolyPhen-2) suggests that this variant is likely to be tolerated. In summary, the available evidence is currently insufficient to determine the role of this variant in disease. Therefore, it has been classified as a Variant of Uncertain Significance.